The following is an entry in ClinVar:

NM_001378452.1(ITPR1):c.4424G>A (p.Ser1475Asn)

Gene: ITPR1 (inositol 1,4,5-trisphosphate receptor type 1; plus strand). Cytogenetic location: 3p26.1.
Variant type: single nucleotide variant.
Coding change: c.4424G>A on transcript NM_001378452.1 (MANE Select); coding-DNA position 4424, G replaced by A.
Protein change: p.Ser1475Asn; replaces serine 1475 with asparagine.
Molecular consequence: missense variant.
Genome position (GRCh38, 1-based): chr3:4,699,829, G>A. VCF-style: chr3-4699829-G-A. GRCh37 (hg19) VCF-style: chr3-4741513-G-A.
Other names: c.4397G>A, p.Ser1466Asn (NM_001099952.4); c.4379G>A, p.Ser1460Asn (NM_001168272.2); c.4352G>A, p.Ser1451Asn (NM_002222.7); short protein forms S1451N, S1466N, S1475N, S1460N.
Identifiers: ClinVar variation 2027926 (VCV002027926.4), dbSNP rs1206311675, ClinGen allele CA351633014.

ClinVar aggregate classification (germline): Uncertain significance (1 of 4 stars; one submission).

gnomAD v4.1: 2 of 1,613,866 alleles (0.00012%); highest among the groups gnomAD compares: Non-Finnish European, 0.00017%; no homozygotes.

Submission:

Labcorp Genetics (formerly Invitae), Labcorp
Classification: Uncertain significance. Last evaluated: 2024-04-05. Review status: criteria provided, single submitter. Criteria: Invitae Variant Classification Sherloc (09022015). Collection method: clinical testing. Allele origin: germline.
Comment: This sequence change replaces serine, which is neutral and polar, with asparagine, which is neutral and polar, at codon 1451 of the ITPR1 protein (p.Ser1451Asn). This variant is not present in population databases (gnomAD no frequency). This variant has not been reported in the literature in individuals affected with ITPR1-related conditions. ClinVar contains an entry for this variant (Variation ID: 2027926). Advanced modeling of protein sequence and biophysical properties (such as structural, functional, and spatial information, amino acid conservation, physicochemical variation, residue mobility, and thermodynamic stability) performed at Invitae indicates that this missense variant is not expected to disrupt ITPR1 protein function with a negative predictive value of 95%. In summary, the available evidence is currently insufficient to determine the role of this variant in disease. Therefore, it has been classified as a Variant of Uncertain Significance.